The following is an entry in ClinVar:

NM_002075.4(GNB3):c.855_856dup (p.Phe286fs)

Genes: CDCA3 (cell division cycle associated 3; minus strand), GNB3 (G protein subunit beta 3; plus strand). Cytogenetic location: 12p13.31.
Variant type: Duplication.
Coding change: c.855_856dup on transcript NM_002075.4 (MANE Select); coding-DNA positions 855 to 856, 2 bases duplicated (AT; older notation c.855_856dupAT).
Protein change: p.Phe286fs; shifts the reading frame from phenylalanine 286.
Molecular consequence: frameshift variant. On other transcripts: 3 prime UTR variant (1).
Genome position (GRCh38, 1-based): chr12:6,845,741-6,845,742, AT duplicated; duplicating any 2 consecutive bases within chr12:6,845,740-6,845,742 gives the same sequence; the c. name uses the placement nearest the transcript's 3' end. VCF-style (leftmost placement, unchanged base first): chr12-6845739-C-CTA. GRCh37 (hg19) VCF-style: chr12-6954903-C-CTA.
Other names: c.852_853dup, p.Phe285fs (NM_001297571.2); c.*1047_*1048dup (NM_001297603.3); short protein forms F286fs, F285fs.
Identifiers: ClinVar variation 1392464 (VCV001392464.7), dbSNP rs781986240, ClinGen allele CA6417683.

ClinVar aggregate classification (germline): Uncertain significance (1 of 4 stars; one submission).

Submission:

Labcorp Genetics (formerly Invitae), Labcorp
Classification: Uncertain significance. Last evaluated: 2024-03-11. Review status: criteria provided, single submitter. Criteria: Invitae Variant Classification Sherloc (09022015). Collection method: clinical testing. Allele origin: germline.
Comment: This sequence change creates a premature translational stop signal (p.Phe286Tyrfs*16) in the GNB3 gene. While this is not anticipated to result in nonsense mediated decay, it is expected to disrupt the last 55 amino acid(s) of the GNB3 protein. This variant is present in population databases (rs781986240, gnomAD 0.002%). This variant has not been reported in the literature in individuals affected with GNB3-related conditions. ClinVar contains an entry for this variant (Variation ID: 1392464). Experimental studies and prediction algorithms are not available or were not evaluated, and the functional significance of this variant is currently unknown. In summary, the available evidence is currently insufficient to determine the role of this variant in disease. Therefore, it has been classified as a Variant of Uncertain Significance.